The following is an entry in ClinVar:

NM_001166108.2(PALLD):c.3167C>T (p.Pro1056Leu)

Genes: CBR4 (carbonyl reductase 4; minus strand), PALLD (palladin, cytoskeletal associated protein; plus strand). Cytogenetic location: 4q32.3.
Variant type: single nucleotide variant.
Coding change: c.3167C>T on transcript NM_001166108.2 (MANE Select); coding-DNA position 3167, C replaced by T.
Protein change: p.Pro1056Leu; replaces proline 1056 with leucine.
Molecular consequence: missense variant.
Genome position (GRCh38, 1-based): chr4:168,924,363, C>T. VCF-style: chr4-168924363-C-T. GRCh37 (hg19) VCF-style: chr4-169845514-C-T.
Other names: c.1970C>T, p.Pro657Leu (NM_001166109.2); c.1655C>T, p.Pro552Leu (NM_001166110.2); c.995C>T, p.Pro332Leu (NM_001367567.1, NM_001367569.1); c.1046C>T, p.Pro349Leu (NM_001367568.1, NM_001367570.1); c.3116C>T, p.Pro1039Leu (NM_016081.4); short protein forms P1056L, P332L, P552L, P657L, P1039L, P349L.
Identifiers: ClinVar variation 1727803 (VCV001727803.8), dbSNP rs1162970866, ClinGen allele CA358712510.

ClinVar aggregate classification (germline): Uncertain significance. Review status: criteria provided, multiple submitters, no conflicts (2 of 4 stars). 2 submissions from 2 submitters: Uncertain significance (2). Last evaluated 2024-04-19.

Conditions:
Pancreatic adenocarcinoma. Identifiers: MedGen C0281361, MONDO:0006047, HP:0006725.

Allele frequency attached by ClinVar (database versions not stated): gnomAD exomes below 0.00001.
gnomAD v4.1: 1 of 1,613,912 alleles (0.000062%); highest among the groups gnomAD compares: Non-Finnish European, 0.000085%; no homozygotes.

Submissions (2):

Ambry Genetics
Classification: Uncertain significance. Last evaluated: 2024-04-19. Review status: criteria provided, single submitter. Criteria: Ambry Variant Classification Scheme 2023. Collection method: clinical testing. Allele origin: germline.
Comment: The p.P1039L variant (also known as c.3116C>T), located in coding exon 17 of the PALLD gene, results from a C to T substitution at nucleotide position 3116. The proline at codon 1039 is replaced by leucine, an amino acid with similar properties. This amino acid position is conserved. In addition, this alteration is predicted to be deleterious by in silico analysis. Since supporting evidence is limited at this time, the clinical significance of this alteration remains unclear.

Labcorp Genetics (formerly Invitae), Labcorp
Classification: Uncertain significance for Pancreatic adenocarcinoma. Last evaluated: 2022-03-12. Review status: criteria provided, single submitter. Criteria: Invitae Variant Classification Sherloc (09022015). Collection method: clinical testing. Allele origin: germline.
Comment: In summary, the available evidence is currently insufficient to determine the role of this variant in disease. Therefore, it has been classified as a Variant of Uncertain Significance. Algorithms developed to predict the effect of missense changes on protein structure and function (SIFT, PolyPhen-2, Align-GVGD) all suggest that this variant is likely to be disruptive. This variant has not been reported in the literature in individuals affected with PALLD-related conditions. This variant is present in population databases (no rsID available, gnomAD 0.0009%). This sequence change replaces proline, which is neutral and non-polar, with leucine, which is neutral and non-polar, at codon 552 of the PALLD protein (p.Pro552Leu).